The following is an entry in ClinVar:

NM_000388.4(CASR):c.521T>C (p.Leu174Pro)

Gene: CASR (calcium sensing receptor; plus strand). Cytogenetic location: 3q21.1.
Variant type: single nucleotide variant.
Coding change: c.521T>C on transcript NM_000388.4 (MANE Select); coding-DNA position 521, T replaced by C.
Protein change: p.Leu174Pro; replaces leucine 174 with proline.
Molecular consequence: missense variant.
Genome position (GRCh38, 1-based): chr3:122,261,556, T>C. VCF-style: chr3-122261556-T-C. GRCh37 (hg19) VCF-style: chr3-121980403-T-C.
Other names: c.521T>C, p.Leu174Pro (NM_001178065.2); short protein forms L174P.
Identifiers: ClinVar variation 2950841 (VCV002950841.4), dbSNP rs2473225128, ClinGen allele CA354150765.

ClinVar aggregate classification (germline): Uncertain significance. Review status: criteria provided, multiple submitters, no conflicts (2 of 4 stars). 2 submissions from 2 submitters: Uncertain significance (2). Last evaluated 2025-11-05.

Conditions:
Autosomal dominant hypocalcemia 1 (HYPOC1). Also called: HYPOCALCEMIA, FAMILIAL. Identifiers: MedGen C3715128, MONDO:0011013, OMIM 601198.
Familial hypocalciuric hypercalcemia (FHH). Also called: Familial benign hypercalcemia. Identifiers: Orphanet 405, MedGen C1809471, MONDO:0018458.
Familial hypocalciuric hypercalcemia 1. Also called: Hypercalcemia, familial benign type 1. Identifiers: Orphanet 405, Orphanet 93372, MedGen C0342637, MONDO:0007791, OMIM 145980.
Neonatal severe primary hyperparathyroidism. Identifiers: Orphanet 417, MedGen C1832615, MONDO:0009397, OMIM 239200.
Epilepsy, idiopathic generalized, susceptibility to, 8. Identifiers: MedGen C2752062, MONDO:0013032, OMIM 612899.

Submissions (2):

Labcorp Genetics (formerly Invitae), Labcorp
Classification: Uncertain significance for Familial hypocalciuric hypercalcemia; Autosomal dominant hypocalcemia 1. Last evaluated: 2025-11-05. Review status: criteria provided, single submitter. Criteria: Invitae Variant Classification Sherloc (09022015). Collection method: clinical testing. Allele origin: germline.
Comment: This sequence change replaces leucine, which is neutral and non-polar, with proline, which is neutral and non-polar, at codon 174 of the CASR protein (p.Leu174Pro). This variant is not present in population databases (gnomAD no frequency). This variant has not been reported in the literature in individuals affected with CASR-related conditions. ClinVar contains an entry for this variant (Variation ID: 2950841). An algorithm developed to predict the effect of missense changes on protein structure and function (PolyPhen-2) suggests that this variant is likely to be disruptive. In summary, the available evidence is currently insufficient to determine the role of this variant in disease. Therefore, it has been classified as a Variant of Uncertain Significance.

Fulgent Genetics
Classification: Uncertain significance for Familial hypocalciuric hypercalcemia 1; Neonatal severe primary hyperparathyroidism; Autosomal dominant hypocalcemia 1; Epilepsy, idiopathic generalized, susceptibility to, 8. Last evaluated: 2024-01-08. Review status: criteria provided, single submitter. Criteria: ACMG Guidelines, 2015. Collection method: clinical testing. Allele origin: germline.